The following is an entry in ClinVar:

ClinVar aggregate classification (germline): Pathogenic/Likely pathogenic. Review status: criteria provided, multiple submitters, no conflicts (2 of 4 stars). 4 submissions from 4 submitters: Pathogenic (1); Likely pathogenic (3). Last evaluated 2026-01-15.

Conditions:
Combined malonic and methylmalonic acidemia. Identifiers: Orphanet 289504, MedGen C3280314, MONDO:0013661, OMIM 614265.

Allele frequency attached by ClinVar (database versions not stated): TOPMed below 0.00001; gnomAD 0.00001 and 0.00002; gnomAD exomes 0.00001 and 0.00003; ExAC 0.00003.
gnomAD v4.1: 26 of 1,614,002 alleles (0.0016%); highest among the groups gnomAD compares: South Asian, 0.016%; no homozygotes.

Submissions (4):

Labcorp Genetics (formerly Invitae), Labcorp
Classification: Pathogenic for Combined malonic and methylmalonic acidemia. Last evaluated: 2026-01-15. Review status: criteria provided, single submitter. Criteria: Invitae Variant Classification Sherloc (09022015). Collection method: clinical testing. Allele origin: germline.
Comment: This sequence change creates a premature translational stop signal (p.Arg469*) in the ACSF3 gene. It is expected to result in an absent or disrupted protein product. Loss-of-function variants in ACSF3 are known to be pathogenic (PMID: 21841779, 26827111). This variant is present in population databases (rs748382994, gnomAD 0.01%). This variant has not been reported in the literature in individuals affected with ACSF3-related conditions. ClinVar contains an entry for this variant (Variation ID: 569646). For these reasons, this variant has been classified as Pathogenic.

Natera, Inc.
Classification: Likely pathogenic for Combined malonic and methylmalonic aciduria. Last evaluated: 2025-06-03. Review status: criteria provided, single submitter. Criteria: Natera Variant Classification Schema (03/2026). Collection method: clinical testing. Allele origin: germline.
Comment: The c.1405C>T variant in ACSF3 is a nonsense variant predicted to introduce a stop codon at amino acid 469. This variant is expected to result in nonsense mediated decay, truncation, or a dysfunctional protein product. This variant is rare in the general population with a frequency below the threshold expected for the associated phenotype(s). Given the available evidence, this variant is classified as Likely Pathogenic.

Baylor Genetics
Classification: Likely pathogenic for Combined malonic and methylmalonic acidemia. Last evaluated: 2024-03-20. Review status: criteria provided, single submitter. Criteria: ACMG Guidelines, 2015. Collection method: clinical testing. Allele origin: unknown.

Fulgent Genetics
Classification: Likely pathogenic for Combined malonic and methylmalonic acidemia. Last evaluated: 2018-10-31. Review status: criteria provided, single submitter. Criteria: ACMG Guidelines, 2015. Collection method: clinical testing. Allele origin: unknown.

Literature cited by the submitters: PubMed 21841779 (cited by Labcorp Genetics (formerly Invitae), Labcorp); PubMed 26827111 (cited by Labcorp Genetics (formerly Invitae), Labcorp).

NM_001243279.3(ACSF3):c.1405C>T (p.Arg469Ter)

Gene: ACSF3 (acyl-CoA synthetase family member 3; plus strand). Cytogenetic location: 16q24.3.
Variant type: single nucleotide variant.
Coding change: c.1405C>T on transcript NM_001243279.3 (MANE Select); coding-DNA position 1405, C replaced by T.
Protein change: p.Arg469Ter; replaces arginine 469 with a stop codon.
Molecular consequence: nonsense. On other transcripts: non-coding transcript variant (4).
Genome position (GRCh38, 1-based): chr16:89,145,305, C>T. VCF-style: chr16-89145305-C-T. GRCh37 (hg19) VCF-style: chr16-89211713-C-T.
Other names: c.1405C>T, p.Arg469Ter (NM_001127214.4, NM_174917.5); c.610C>T, p.Arg204Ter (NM_001284316.2); short protein forms R469*, R204*.
Identifiers: ClinVar variation 569646 (VCV000569646.12), dbSNP rs748382994, ClinGen allele CA8238215.
Genomic context (GRCh38, chr16:89,145,305, plus strand): 5'-AACCAGAGCCCCTTTTCCTCAGGGGACACCGTGGTGTTTAAGGATGGCCAGTACTGGATC[C>T]GAGGCCGGACCTCAGTGGACATCATCAAGACTGGAGGCTACAAGGTCAGCGCCCTGGAGG-3'